The following is an entry in ClinVar:

ClinVar aggregate classification (germline): Uncertain significance. Review status: criteria provided, multiple submitters, no conflicts (2 of 4 stars). 3 submissions from 3 submitters: Uncertain significance (3). Last evaluated 2024-10-28.

Conditions:
Familial thoracic aortic aneurysm and aortic dissection (TAAD). Also called: Thoracic aortic aneurysms and dissections. Identifiers: Orphanet 91387, MedGen C4707243, MONDO:0019625.
Aortic aneurysm, familial thoracic 4 (AAT4). Also called: AORTIC ANEURYSM/AORTIC DISSECTION AND PATENT DUCTUS ARTERIOSUS. Identifiers: MedGen C1851504, MONDO:0007568, OMIM 132900.

Allele frequency attached by ClinVar (database versions not stated): ExAC 0.00001; TOPMed 0.00005.
gnomAD v4.1: 14 of 1,613,992 alleles (0.00087%); highest among the groups gnomAD compares: African/African-American, 0.017%; no homozygotes.

Submissions (3):

Labcorp Genetics (formerly Invitae), Labcorp
Classification: Uncertain significance for Aortic aneurysm, familial thoracic 4. Last evaluated: 2024-10-28. Review status: criteria provided, single submitter. Criteria: Invitae Variant Classification Sherloc (09022015). Collection method: clinical testing. Allele origin: germline.
Comment: This sequence change replaces alanine, which is neutral and non-polar, with proline, which is neutral and non-polar, at codon 1391 of the MYH11 protein (p.Ala1391Pro). This variant is present in population databases (rs775802674, gnomAD 0.02%). This variant has not been reported in the literature in individuals affected with MYH11-related conditions. Invitae Evidence Modeling of protein sequence and biophysical properties (such as structural, functional, and spatial information, amino acid conservation, physicochemical variation, residue mobility, and thermodynamic stability) indicates that this missense variant is not expected to disrupt MYH11 protein function with a negative predictive value of 95%. In summary, the available evidence is currently insufficient to determine the role of this variant in disease. Therefore, it has been classified as a Variant of Uncertain Significance.

Color Diagnostics, LLC DBA Color Health
Classification: Uncertain significance for Familial thoracic aortic aneurysm and aortic dissection. Last evaluated: 2024-03-07. Review status: criteria provided, single submitter. Criteria: ACMG Guidelines, 2015. Collection method: clinical testing. Allele origin: germline.
Comment: This missense variant replaces alanine with proline at codon 1391 of the MYH11 protein. Computational prediction is inconclusive regarding the impact of this variant on protein structure and function (internally defined REVEL score threshold 0.5 < inconclusive < 0.7, PMID: 27666373). To our knowledge, functional studies have not been reported for this variant. This variant has not been reported in individuals affected with MYH11-related disorders in the literature. This variant has been identified in 5/282382 chromosomes in the general population by the Genome Aggregation Database (gnomAD). The available evidence is insufficient to determine the role of this variant in disease conclusively. Therefore, this variant is classified as a Variant of Uncertain Significance.

Ambry Genetics
Classification: Uncertain significance for Familial thoracic aortic aneurysm and aortic dissection. Last evaluated: 2021-07-30. Review status: criteria provided, single submitter. Criteria: Ambry Variant Classification Scheme 2023. Collection method: clinical testing. Allele origin: germline.
Comment: The p.A1384P variant (also known as c.4150G>C), located in coding exon 30 of the MYH11 gene, results from a G to C substitution at nucleotide position 4150. The alanine at codon 1384 is replaced by proline, an amino acid with highly similar properties. This amino acid position is conserved. In addition, this alteration is predicted to be tolerated by in silico analysis. Since supporting evidence is limited at this time, the clinical significance of this alteration remains unclear.

NM_002474.3(MYH11):c.4150G>C (p.Ala1384Pro)

Genes: MYH11 (myosin heavy chain 11; minus strand), NDE1 (nudE neurodevelopment protein 1; plus strand). Cytogenetic location: 16p13.11.
Variant type: single nucleotide variant.
Coding change: c.4150G>C on transcript NM_002474.3 (MANE Select); coding-DNA position 4150, G replaced by C.
Protein change: p.Ala1384Pro; replaces alanine 1384 with proline.
Molecular consequence: missense variant. On other transcripts: 3 prime UTR variant (2).
Genome position (GRCh38, 1-based): chr16:15,724,376, C>G on the plus strand (G>C on the coding strand, the complement: MYH11 is on the minus strand). VCF-style: chr16-15724376-C-G. GRCh37 (hg19) VCF-style: chr16-15818233-C-G.
Other names: c.4171G>C, p.Ala1391Pro (NM_001040113.2, NM_001040114.2); c.4150G>C, p.Ala1384Pro (NM_022844.3); c.*125C>G (NM_001143979.2, NM_017668.3); c.4150G>C (NM_002474.2); short protein forms A1384P, A1391P.
Identifiers: ClinVar variation 2758632 (VCV002758632.4), dbSNP rs775802674, ClinGen allele CA7921748.